The following is an entry in ClinVar:

NM_001101677.2(SOHLH1):c.745C>T (p.Gln249Ter)

Gene: SOHLH1 (spermatogenesis and oogenesis specific basic helix-loop-helix 1; minus strand). Cytogenetic location: 9q34.3.
Variant type: single nucleotide variant.
Coding change: c.745C>T on transcript NM_001101677.2 (MANE Select); coding-DNA position 745, C replaced by T.
Protein change: p.Gln249Ter; replaces glutamine 249 with a stop codon.
Molecular consequence: nonsense.
Genome position (GRCh38, 1-based): chr9:135,695,180, G>A on the plus strand (C>T on the coding strand, the complement: SOHLH1 is on the minus strand). VCF-style: chr9-135695180-G-A. GRCh37 (hg19) VCF-style: chr9-138587026-G-A.
Other names: c.745C>T, p.Gln249Ter (NM_001012415.3); short protein forms Q249*.
Identifiers: ClinVar variation 1029080 (VCV001029080.7), dbSNP rs1049447746, ClinGen allele CA201456362.

ClinVar aggregate classification (germline): Pathogenic (1 of 4 stars; one submission).

Allele frequency attached by ClinVar (database versions not stated): gnomAD exomes 0.00001; gnomAD 0.00002; TOPMed 0.00003.
gnomAD v4.1: 20 of 1,604,434 alleles (0.0012%); highest among the groups gnomAD compares: African/African-American, 0.0027%; no homozygotes.

Submission:

Labcorp Genetics (formerly Invitae), Labcorp
Classification: Pathogenic. Last evaluated: 2017-05-16. Review status: criteria provided, single submitter. Criteria: Invitae Variant Classification Sherloc (09022015). Collection method: clinical testing. Allele origin: germline.
Comment: For these reasons, this variant has been classified as Pathogenic. Loss-of-function variants in SOHLH1 are known to be pathogenic (PMID: 25774885). This variant has not been reported in the literature in individuals with a SOHLH1-related disease. This variant is not present in population databases (ExAC no frequency). This sequence change creates a premature translational stop signal (p.Gln249*) in the SOHLH1 gene. It is expected to result in an absent or disrupted protein product.

Literature cited by the submitters: PubMed 25774885.